The following is an entry in ClinVar:

ClinVar aggregate classification (germline): Uncertain significance (1 of 4 stars; one submission).

Submission:

GeneDx
Classification: Uncertain significance. Last evaluated: 2023-06-09. Review status: criteria provided, single submitter. Criteria: GeneDx Variant Classification Process June 2021. Collection method: clinical testing. Allele origin: germline. Affected: yes.
Comment: Not observed at significant frequency in large population cohorts (gnomAD); In silico analysis supports that this missense variant has a deleterious effect on protein structure/function; Has not been previously published as pathogenic or benign to our knowledge

NM_198503.5(KCNT2):c.2567A>T (p.Tyr856Phe)

Gene: KCNT2 (potassium sodium-activated channel subfamily T member 2; minus strand). Cytogenetic location: 1q31.3.
Variant type: single nucleotide variant.
Coding change: c.2567A>T on transcript NM_198503.5 (MANE Select); coding-DNA position 2567, A replaced by T.
Protein change: p.Tyr856Phe; replaces tyrosine 856 with phenylalanine.
Molecular consequence: missense variant. On other transcripts: non-coding transcript variant (2).
Genome position (GRCh38, 1-based): chr1:196,305,262, T>A on the plus strand (A>T on the coding strand, the complement: KCNT2 is on the minus strand). VCF-style: chr1-196305262-T-A. GRCh37 (hg19) VCF-style: chr1-196274392-T-A.
Other names: c.2495A>T, p.Tyr832Phe (NM_001287819.3); c.2345A>T, p.Tyr782Phe (NM_001287820.3); short protein forms Y782F, Y832F, Y856F.
Identifiers: ClinVar variation 3362145 (VCV003362145.1).